The following is an entry in ClinVar:

ClinVar aggregate classification (germline): Pathogenic (1 of 4 stars; one submission).

Submission:

Labcorp Genetics (formerly Invitae), Labcorp
Classification: Pathogenic. Last evaluated: 2022-09-28. Review status: criteria provided, single submitter. Criteria: Invitae Variant Classification Sherloc (09022015). Collection method: clinical testing. Allele origin: germline.
Comment: This variant is not present in population databases (gnomAD no frequency). This sequence change replaces cysteine, which is neutral and slightly polar, with tryptophan, which is neutral and slightly polar, at codon 258 of the ZMYND11 protein (p.Cys258Trp). This missense change has been observed in individual(s) with clinical features of ZMYND11-related conditions (Invitae). In at least one individual the variant was observed to be de novo. Advanced modeling of protein sequence and biophysical properties (such as structural, functional, and spatial information, amino acid conservation, physicochemical variation, residue mobility, and thermodynamic stability) performed at Invitae indicates that this missense variant is expected to disrupt ZMYND11 protein function. For these reasons, this variant has been classified as Pathogenic.

NM_001370100.5(ZMYND11):c.774C>G (p.Cys258Trp)

Gene: ZMYND11 (zinc finger MYND-type containing 11; plus strand). Cytogenetic location: 10p15.3.
Variant type: single nucleotide variant.
Coding change: c.774C>G on transcript NM_001370100.5 (MANE Select); coding-DNA position 774, C replaced by G.
Protein change: p.Cys258Trp; replaces cysteine 258 with tryptophan.
Molecular consequence: missense variant. On other transcripts: non-coding transcript variant (1), intron variant (1).
Genome position (GRCh38, 1-based): chr10:240,913, C>G. VCF-style: chr10-240913-C-G. GRCh37 (hg19) VCF-style: chr10-286853-C-G.
Other names: c.774C>G, p.Cys258Trp (NM_001161482.1, NM_001202468.1, NM_001370097.3 and 6 more transcripts); c.612C>G, p.Cys204Trp (NM_001202464.3, NM_001202467.1, NM_001370103.2 and 6 more transcripts); c.519C>G, p.Cys173Trp (NM_001202465.3, NM_001370110.2); c.609C>G, p.Cys203Trp (NM_001202466.3, NM_001370111.2); c.723C>G, p.Cys241Trp (NM_001330057.3, NM_001370112.2); c.468C>G, p.Cys156Trp (NM_001370122.2); c.417C>G, p.Cys139Trp (NM_001370123.2); c.303C>G, p.Cys101Trp (NM_001370124.3); and 7 more; short protein forms C173W, C203W, C227W, C139W, C164W, C236W, C241W, C258W.
Identifiers: ClinVar variation 2024400 (VCV002024400.4), dbSNP rs147479777, ClinGen allele CA375845979.